The following is an entry in ClinVar:

NM_000038.6(APC):c.5402C>G (p.Ala1801Gly)

Gene: APC (APC regulator of Wnt signaling pathway; plus strand). Cytogenetic location: 5q22.2.
Variant type: single nucleotide variant.
Coding change: c.5402C>G on transcript NM_000038.6 (MANE Select); coding-DNA position 5402, C replaced by G.
Protein change: p.Ala1801Gly; replaces alanine 1801 with glycine.
Molecular consequence: missense variant.
Genome position (GRCh38, 1-based): chr5:112,840,996, C>G. VCF-style: chr5-112840996-C-G. GRCh37 (hg19) VCF-style: chr5-112176693-C-G.
Other names: c.5402C>G, p.Ala1801Gly (NM_001127510.3, NM_001354895.2); c.5348C>G, p.Ala1783Gly (NM_001127511.3); c.5456C>G, p.Ala1819Gly (NM_001354896.2); c.5432C>G, p.Ala1811Gly (NM_001354897.2); c.5327C>G, p.Ala1776Gly (NM_001354898.2); c.5318C>G, p.Ala1773Gly (NM_001354899.2); c.5279C>G, p.Ala1760Gly (NM_001354900.2); c.5225C>G, p.Ala1742Gly (NM_001354901.2); and 5 more; short protein forms A1700G, A1742G, A1811G, A1641G, A1675G, A1710G, A1773G, A1776G.
Identifiers: ClinVar variation 1423490 (VCV001423490.12), dbSNP rs876660059, ClinGen allele CA16033141.

ClinVar aggregate classification (germline): Uncertain significance. Review status: criteria provided, multiple submitters, no conflicts (2 of 4 stars). 3 submissions from 3 submitters: Uncertain significance (3). Last evaluated 2024-12-04.

Conditions:
Familial adenomatous polyposis 1 (FAP1). Also called: POLYPOSIS, ADENOMATOUS INTESTINAL; FAMILIAL ADENOMATOUS POLYPOSIS 1, ATTENUATED. Identifiers: MedGen C2713442, MONDO:0021056, OMIM 175100. Disease mechanism: loss of function.
Hereditary cancer-predisposing syndrome. Also called: Neoplastic Syndromes, Hereditary; Hereditary Cancer Syndrome; Hereditary neoplastic syndrome; Tumor predisposition. Identifiers: Orphanet 140162, MedGen C0027672, MeSH D009386, MONDO:0015356.

Submissions (3):

Ambry Genetics
Classification: Uncertain significance for Hereditary cancer-predisposing syndrome. Last evaluated: 2024-12-04. Review status: criteria provided, single submitter. Criteria: Ambry Variant Classification Scheme 2023. Collection method: clinical testing. Allele origin: germline.
Comment: The p.A1801G variant (also known as c.5402C>G), located in coding exon 15 of the APC gene, results from a C to G substitution at nucleotide position 5402. The alanine at codon 1801 is replaced by glycine, an amino acid with similar properties. This amino acid position is not well conserved in available vertebrate species. In addition, in silico predictors for this gene do not accurately predict pathogenicity. Missense alterations in APC are not a common cause of disease (Spier I et al. Genet Med. 2024 Feb;26(2):100992). Based on the available evidence, the clinical significance of this variant remains unclear.

Baylor Genetics
Classification: Uncertain significance for Familial adenomatous polyposis 1. Last evaluated: 2023-07-25. Review status: criteria provided, single submitter. Criteria: ACMG Guidelines, 2015. Collection method: clinical testing. Allele origin: unknown.

Labcorp Genetics (formerly Invitae), Labcorp
Classification: Uncertain significance for Familial adenomatous polyposis 1. Last evaluated: 2021-04-23. Review status: criteria provided, single submitter. Criteria: Invitae Variant Classification Sherloc (09022015). Collection method: clinical testing. Allele origin: germline.
Comment: In summary, the available evidence is currently insufficient to determine the role of this variant in disease. Therefore, it has been classified as a Variant of Uncertain Significance. Algorithms developed to predict the effect of sequence changes on RNA splicing suggest that this variant may create or strengthen a splice site, but this prediction has not been confirmed by published transcriptional studies. Algorithms developed to predict the effect of missense changes on protein structure and function (SIFT, PolyPhen-2, Align-GVGD) all suggest that this variant is likely to be tolerated, but these predictions have not been confirmed by published functional studies and their clinical significance is uncertain. This variant has not been reported in the literature in individuals with APC-related conditions. This variant is not present in population databases (ExAC no frequency). This sequence change replaces alanine with glycine at codon 1801 of the APC protein (p.Ala1801Gly). The alanine residue is weakly conserved and there is a small physicochemical difference between alanine and glycine.